The following is an entry in ClinVar:

ClinVar aggregate classification (germline): Uncertain significance (1 of 4 stars; one submission).

Conditions:
Renal cell carcinoma. Identifiers: Orphanet 217071, MedGen C0007134, MeSH D002292, MONDO:0005086, HP:0005584.

Submission:

Labcorp Genetics (formerly Invitae), Labcorp
Classification: Uncertain significance for Renal cell carcinoma. Last evaluated: 2022-08-10. Review status: criteria provided, single submitter. Criteria: Invitae Variant Classification Sherloc (09022015). Collection method: clinical testing. Allele origin: germline.
Comment: Algorithms developed to predict the effect of missense changes on protein structure and function are either unavailable or do not agree on the potential impact of this missense change (SIFT: "Deleterious"; PolyPhen-2: "Probably Damaging"; Align-GVGD: "Class C0"). ClinVar contains an entry for this variant (Variation ID: 1362151). This variant has not been reported in the literature in individuals affected with MET-related conditions. This variant is not present in population databases (gnomAD no frequency). This sequence change replaces asparagine, which is neutral and polar, with isoleucine, which is neutral and non-polar, at codon 382 of the MET protein (p.Asn382Ile). In summary, the available evidence is currently insufficient to determine the role of this variant in disease. Therefore, it has been classified as a Variant of Uncertain Significance.

NM_000245.4(MET):c.1145A>T (p.Asn382Ile)

Gene: MET (MET proto-oncogene, receptor tyrosine kinase; plus strand). Cytogenetic location: 7q31.2.
Variant type: single nucleotide variant.
Coding change: c.1145A>T on transcript NM_000245.4 (MANE Select); coding-DNA position 1145, A replaced by T.
Protein change: p.Asn382Ile; replaces asparagine 382 with isoleucine.
Molecular consequence: missense variant. On other transcripts: intron variant (1).
Genome position (GRCh38, 1-based): chr7:116,700,229, A>T. VCF-style: chr7-116700229-A-T. GRCh37 (hg19) VCF-style: chr7-116340283-A-T.
Other names: c.1145A>T, p.Asn382Ile (NM_001127500.3, NM_001324401.3); c.-91+27652A>T (NM_001324402.2); short protein forms N382I.
Identifiers: ClinVar variation 1362151 (VCV001362151.6), dbSNP rs2116606480, ClinGen allele CA368970640.